The following is an entry in ClinVar:

NM_007126.5(VCP):c.54A>G (p.Lys18=)

Gene: VCP (valosin containing protein; minus strand). Cytogenetic location: 9p13.3.
Variant type: single nucleotide variant.
Coding change: c.54A>G on transcript NM_007126.5 (MANE Select); coding-DNA position 54, A replaced by G.
Protein change: p.Lys18=; no amino-acid change (lysine 18 retained).
Molecular consequence: synonymous variant. On other transcripts: 5 prime UTR variant (2).
Genome position (GRCh38, 1-based): chr9:35,068,326, T>C on the plus strand (A>G on the coding strand, the complement: VCP is on the minus strand). VCF-style: chr9-35068326-T-C. GRCh37 (hg19) VCF-style: chr9-35068323-T-C.
Other names: c.54A>G (NM_007126.3); c.-82A>G (NM_001354927.2, NM_001354928.2).
Identifiers: ClinVar variation 1164584 (VCV001164584.12), dbSNP rs766042571, ClinGen allele CA5039561.

ClinVar aggregate classification (germline): Benign/Likely benign. Review status: criteria provided, multiple submitters, no conflicts (2 of 4 stars). 3 submissions from 3 submitters: Benign (1); Likely benign (1). 1 of the submissions does not count toward it. Last evaluated 2025-08-06.

Conditions:
Inclusion body myopathy with Paget disease of bone and frontotemporal dementia. Also called: Inclusion body myopathy with early-onset Paget disease and frontotemporal dementia. Identifiers: Orphanet 52430, MedGen C1833662, MONDO:0000507.
Frontotemporal dementia and/or amyotrophic lateral sclerosis 6 (FTDALS6). Also called: VCP-Related Amyotrophic Lateral Sclerosis; VCP-Related Amyotrophic Lateral Sclerosis/Frontotemporal Dementia. Identifiers: Orphanet 275872, Orphanet 803, MedGen C5436279, MONDO:0013501, OMIM 613954.
VCP-related disorder. Also called: VCP-related disorders; VCP-related condition.

Allele frequency attached by ClinVar (database versions not stated): gnomAD 0.00003; gnomAD exomes 0.00004 and 0.00016; TOPMed 0.00012; ExAC 0.00014.
gnomAD v4.1: 60 of 1,614,018 alleles (0.0037%); highest among the groups gnomAD compares: East Asian, 0.13%; no homozygotes.

Submissions (3):

Labcorp Genetics (formerly Invitae), Labcorp
Classification: Benign for Inclusion body myopathy with Paget disease of bone and frontotemporal dementia; Frontotemporal dementia and/or amyotrophic lateral sclerosis 6. Last evaluated: 2025-08-06. Review status: criteria provided, single submitter. Criteria: Invitae Variant Classification Sherloc (09022015). Collection method: clinical testing. Allele origin: germline.

Blueprint Genetics
Classification: Likely benign. Last evaluated: 2024-02-08. Review status: criteria provided, single submitter. Criteria: ACMG Guidelines, 2015. Collection method: clinical testing. Allele origin: germline.

PreventionGenetics, part of Exact Sciences
Classification: Likely benign for VCP-related condition. Last evaluated: 2021-04-07. Review status: no assertion criteria provided. Collection method: clinical testing. Allele origin: germline. Not counted in ClinVar's aggregate classification.
Comment: This variant is classified as likely benign based on ACMG/AMP sequence variant interpretation guidelines (Richards et al. 2015 PMID: 25741868, with internal and published modifications).